The following is an entry in ClinVar:

NM_012293.3(PXDN):c.4195C>A (p.Leu1399Ile)

Gene: PXDN (peroxidasin; minus strand). Cytogenetic location: 2p25.3.
Variant type: single nucleotide variant.
Coding change: c.4195C>A on transcript NM_012293.3 (MANE Select); coding-DNA position 4195, C replaced by A.
Protein change: p.Leu1399Ile; replaces leucine 1399 with isoleucine.
Molecular consequence: missense variant.
Genome position (GRCh38, 1-based): chr2:1,638,857, G>T on the plus strand (C>A on the coding strand, the complement: PXDN is on the minus strand). VCF-style: chr2-1638857-G-T. GRCh37 (hg19) VCF-style: chr2-1642629-G-T.
Other names: short protein forms L1399I.
Identifiers: ClinVar variation 2502695 (VCV002502695.1), dbSNP rs745977005, ClinGen allele CA1512492.

ClinVar aggregate classification (germline): Uncertain significance (1 of 4 stars; one submission).

Allele frequency attached by ClinVar (database versions not stated): gnomAD 0.00001; TOPMed 0.00003; ExAC 0.00001.
gnomAD v4.1: 33 of 1,613,884 alleles (0.002%); highest among the groups gnomAD compares: South Asian, 0.0033%; no homozygotes.

Submission:

GeneDx
Classification: Uncertain significance. Last evaluated: 2022-11-17. Review status: criteria provided, single submitter. Criteria: GeneDx Variant Classification Process June 2021. Collection method: clinical testing. Allele origin: germline. Affected: yes.
Comment: Not observed at significant frequency in large population cohorts (gnomAD); In silico analysis supports that this missense variant does not alter protein structure/function; Has not been previously published as pathogenic or benign to our knowledge